The following is an entry in ClinVar:

NM_004153.4(ORC1):c.2303A>G (p.Lys768Arg)

Gene: ORC1 (origin recognition complex subunit 1; minus strand). Cytogenetic location: 1p32.3.
Variant type: single nucleotide variant.
Coding change: c.2303A>G on transcript NM_004153.4 (MANE Select); coding-DNA position 2303, A replaced by G.
Protein change: p.Lys768Arg; replaces lysine 768 with arginine.
Molecular consequence: missense variant.
Genome position (GRCh38, 1-based): chr1:52,375,430, T>C on the plus strand (A>G on the coding strand, the complement: ORC1 is on the minus strand). VCF-style: chr1-52375430-T-C. GRCh37 (hg19) VCF-style: chr1-52841102-T-C.
Other names: c.2303A>G, p.Lys768Arg (NM_001190818.2); c.2288A>G, p.Lys763Arg (NM_001190819.2); short protein forms K763R, K768R.
Identifiers: ClinVar variation 1052536 (VCV001052536.5), dbSNP rs61756138, ClinGen allele CA853079.

ClinVar aggregate classification (germline): Uncertain significance (1 of 4 stars; one submission).

Allele frequency attached by ClinVar (database versions not stated): gnomAD exomes below 0.00001 and 0.00001; ExAC 0.00002; gnomAD 0.00010; TOPMed 0.00018; 1000 Genomes Project 0.00020; 1000 Genomes Project 30x 0.00031.
gnomAD v4.1: 20 of 1,614,116 alleles (0.0012%); highest among the groups gnomAD compares: Admixed American, 0.025%; no homozygotes.

Submission:

Labcorp Genetics (formerly Invitae), Labcorp
Classification: Uncertain significance. Last evaluated: 2023-08-10. Review status: criteria provided, single submitter. Criteria: Invitae Variant Classification Sherloc (09022015). Collection method: clinical testing. Allele origin: germline.
Comment: This sequence change replaces lysine, which is basic and polar, with arginine, which is basic and polar, at codon 768 of the ORC1 protein (p.Lys768Arg). This variant is present in population databases (rs61756138, gnomAD 0.005%). This variant has not been reported in the literature in individuals affected with ORC1-related conditions. ClinVar contains an entry for this variant (Variation ID: 1052536). Algorithms developed to predict the effect of missense changes on protein structure and function output the following: SIFT: "Not Available"; PolyPhen-2: "Benign"; Align-GVGD: "Not Available". The arginine amino acid residue is found in multiple mammalian species, which suggests that this missense change does not adversely affect protein function. In summary, the available evidence is currently insufficient to determine the role of this variant in disease. Therefore, it has been classified as a Variant of Uncertain Significance.